The following is an entry in ClinVar:

ClinVar aggregate classification (germline): Uncertain significance (1 of 4 stars; one submission).

Allele frequency attached by ClinVar (database versions not stated): gnomAD exomes below 0.00001.
gnomAD v4.1: 2 of 1,614,154 alleles (0.00012%); highest among the groups gnomAD compares: Non-Finnish European, 0.00017%; no homozygotes.

Submission:

Ambry Genetics
Classification: Uncertain significance. Last evaluated: 2022-10-22. Review status: criteria provided, single submitter. Criteria: Ambry Variant Classification Scheme 2023. Collection method: clinical testing. Allele origin: germline.
Comment: The p.F859L variant (also known as c.2577T>A), located in coding exon 1 of the MLH3 gene, results from a T to A substitution at nucleotide position 2577. The phenylalanine at codon 859 is replaced by leucine, an amino acid with highly similar properties. This amino acid position is conserved. In addition, this alteration is predicted to be tolerated by in silico analysis. Since supporting evidence is limited at this time, the clinical significance of this alteration remains unclear.

NM_001040108.2(MLH3):c.2577T>A (p.Phe859Leu)

Gene: MLH3 (mutL homolog 3; minus strand). Cytogenetic location: 14q24.3.
Variant type: single nucleotide variant.
Coding change: c.2577T>A on transcript NM_001040108.2 (MANE Select); coding-DNA position 2577, T replaced by A.
Protein change: p.Phe859Leu; replaces phenylalanine 859 with leucine.
Molecular consequence: missense variant.
Genome position (GRCh38, 1-based): chr14:75,047,079, A>T on the plus strand (T>A on the coding strand, the complement: MLH3 is on the minus strand). VCF-style: chr14-75047079-A-T. GRCh37 (hg19) VCF-style: chr14-75513782-A-T.
Other names: c.2577T>A, p.Phe859Leu (NM_014381.3); short protein forms F859L.
Identifiers: ClinVar variation 1793325 (VCV001793325.2), dbSNP rs2503266476, ClinGen allele CA390439815.